The following is an entry in ClinVar:

NM_002299.4(LCT):c.4646A>G (p.Tyr1549Cys)

Gene: LCT (lactase; minus strand). Cytogenetic location: 2q21.3.
Variant type: single nucleotide variant.
Coding change: c.4646A>G on transcript NM_002299.4 (MANE Select); coding-DNA position 4646, A replaced by G.
Protein change: p.Tyr1549Cys; replaces tyrosine 1549 with cysteine.
Molecular consequence: missense variant.
Genome position (GRCh38, 1-based): chr2:135,803,947, T>C on the plus strand (A>G on the coding strand, the complement: LCT is on the minus strand). VCF-style: chr2-135803947-T-C. GRCh37 (hg19) VCF-style: chr2-136561517-T-C.
Other names: c.4646A>G (LRG_338t1); short protein forms Y1549C.
Identifiers: ClinVar variation 331171 (VCV000331171.10), dbSNP rs147495948, ClinGen allele CA1887812.

ClinVar aggregate classification (germline): Uncertain significance. Review status: criteria provided, multiple submitters, no conflicts (2 of 4 stars). 3 submissions from 3 submitters: Uncertain significance (3). Last evaluated 2023-01-31.

Conditions:
Inborn genetic diseases. Identifiers: MedGen C0950123, MeSH D030342.

Allele frequency attached by ClinVar (database versions not stated): gnomAD exomes 0.00082 and 0.00053; ExAC 0.00096; TOPMed 0.00109; ESP Exome Variant Server 0.00023; 1000 Genomes Project 30x 0.00078; 1000 Genomes Project 0.00080; gnomAD 0.00082.
gnomAD v4.1: 942 of 1,614,034 alleles (0.058%); highest among the groups gnomAD compares: Middle Eastern, 0.92%; 6 homozygotes.

Submissions (3):

Ambry Genetics
Classification: Uncertain significance for Inborn genetic diseases. Last evaluated: 2023-01-31. Review status: criteria provided, single submitter. Criteria: Ambry Variant Classification Scheme 2023. Collection method: clinical testing. Allele origin: germline.

Labcorp Genetics (formerly Invitae), Labcorp
Classification: Uncertain significance. Last evaluated: 2022-10-18. Review status: criteria provided, single submitter. Criteria: Invitae Variant Classification Sherloc (09022015). Collection method: clinical testing. Allele origin: germline.
Comment: This sequence change replaces tyrosine, which is neutral and polar, with cysteine, which is neutral and slightly polar, at codon 1549 of the LCT protein (p.Tyr1549Cys). This variant is present in population databases (rs147495948, gnomAD 0.1%), and has an allele count higher than expected for a pathogenic variant. This variant has not been reported in the literature in individuals affected with LCT-related conditions. ClinVar contains an entry for this variant (Variation ID: 331171). Algorithms developed to predict the effect of missense changes on protein structure and function are either unavailable or do not agree on the potential impact of this missense change (SIFT: "Not Available"; PolyPhen-2: "Benign"; Align-GVGD: "Not Available"). In summary, the available evidence is currently insufficient to determine the role of this variant in disease. Therefore, it has been classified as a Variant of Uncertain Significance.

Breakthrough Genomics
Classification: Uncertain significance. Review status: criteria provided, single submitter. Criteria: ACMG Guidelines, 2015. Collection method: not provided. Allele origin: germline. Inheritance: Autosomal recessive inheritance. Affected: yes.